The following is an entry in ClinVar:

ClinVar aggregate classification (germline): Uncertain significance (1 of 4 stars; one submission).

Conditions:
Hypercholesterolemia, autosomal dominant, 3 (FHCL3). Also called: Familial Hypercholesterolemia, Autosomal Dominant, 3; PCSK9-Related Familial Hypercholesterolemia, Autosomal Dominant; Familial hypercholesterolemia 3. Identifiers: MedGen C1863551, MONDO:0011369, OMIM 603776.

Allele frequency attached by ClinVar (database versions not stated): gnomAD 0.00001.
gnomAD v4.1: 1 of 1,613,902 alleles (0.000062%); highest among the groups gnomAD compares: Non-Finnish European, 0.000085%; no homozygotes.

Submission:

All of Us Research Program, National Institutes of Health
Classification: Uncertain significance for Hypercholesterolemia, autosomal dominant, 3. Last evaluated: 2023-08-15. Review status: criteria provided, single submitter. Criteria: ACMG Guidelines, 2015. Collection method: clinical testing. Allele origin: germline. Inheritance: Autosomal dominant inheritance. Observed: 1 variant allele, 1 heterozygote.
Comment: This variant is located in the PCSK9 protein. To our knowledge, functional studies have not been reported for this variant. This variant has not been reported in individuals affected with PCSK9-related disorders in the literature. This variant has not been identified in the general population by the Genome Aggregation Database (gnomAD). The available evidence is insufficient to determine the role of this variant in disease conclusively. Therefore, this variant is classified as a Variant of Uncertain Significance.

This study involves interpretation of variants in research participants for the purpose of population health screening. Participant phenotype was not available at the time of variant classification. Additional details can be found in publication PMID: 35346344, PMCID: PMC8962531

NM_174936.4(PCSK9):c.546G>T (p.Val182=)

Gene: PCSK9 (proprotein convertase subtilisin/kexin type 9; plus strand). Cytogenetic location: 1p32.3.
Variant type: single nucleotide variant.
Coding change: c.546G>T on transcript NM_174936.4 (MANE Select); coding-DNA position 546, G replaced by T.
Protein change: p.Val182=; no amino-acid change (valine 182 retained).
Molecular consequence: synonymous variant. On other transcripts: non-coding transcript variant (8).
Genome position (GRCh38, 1-based): chr1:55,052,300, G>T. VCF-style: chr1-55052300-G-T. GRCh37 (hg19) VCF-style: chr1-55517973-G-T.
Other names: c.669G>T, p.Val223= (NM_001407240.1); c.546G>T, p.Val182= (NM_001407241.1, NM_001407242.1, NM_001407244.1 and 1 more transcripts); c.489G>T, p.Val163= (NM_001407243.1); c.354G>T, p.Val118= (NM_001407245.1); c.171G>T, p.Val57= (NM_001407246.1).
Identifiers: ClinVar variation 3072778 (VCV003072778.1), dbSNP rs779528787, ClinGen allele CA418180796.